The following is an entry in ClinVar:

ClinVar aggregate classification (germline): Uncertain significance (1 of 4 stars; one submission).

Conditions:
Dilated Cardiomyopathy, Dominant.
Distal myopathy with posterior leg and anterior hand involvement. Also called: WILLIAMS DISTAL MYOPATHY. Identifiers: Orphanet 63273, MedGen C3279722, MONDO:0013550, OMIM 614065.
Myofibrillar myopathy 5. Also called: Filaminopathy (type); FILAMINOPATHY, AUTOSOMAL DOMINANT. Identifiers: Orphanet 171445, MedGen C1836050, MONDO:0012289, OMIM 609524.
Hypertrophic cardiomyopathy 26. Also called: Cardiomyopathy, familial hypertrophic, 26. Identifiers: Orphanet 75249, MedGen C4310749, MONDO:0014883, OMIM 617047.

Allele frequency attached by ClinVar (database versions not stated): gnomAD exomes below 0.00001.

Submission:

Labcorp Genetics (formerly Invitae), Labcorp
Classification: Uncertain significance for Distal myopathy with posterior leg and anterior hand involvement; Myofibrillar myopathy 5; Hypertrophic cardiomyopathy 26. Last evaluated: 2017-10-13. Review status: criteria provided, single submitter. Criteria: Invitae Variant Classification Sherloc (09022015). Collection method: clinical testing. Allele origin: germline.
Comment: This sequence change replaces methionine with isoleucine at codon 1781 of the FLNC protein (p.Met1781Ile). The methionine residue is moderately conserved and there is a small physicochemical difference between methionine and isoleucine. This variant is not present in population databases (ExAC no frequency). This variant has not been reported in the literature in individuals with FLNC-related disease. Algorithms developed to predict the effect of missense changes on protein structure and function (SIFT, PolyPhen-2, Align-GVGD) all suggest that this variant is likely to be tolerated, but these predictions have not been confirmed by published functional studies and their clinical significance is uncertain. In summary, the available evidence is currently insufficient to determine the role of this variant in disease. Therefore, it has been classified as a Variant of Uncertain Significance.

NM_001458.5(FLNC):c.5343G>A (p.Met1781Ile)

Genes: FLNC (filamin C; plus strand), FLNC-AS1 (FLNC antisense RNA 1; minus strand). Cytogenetic location: 7q32.1.
Variant type: single nucleotide variant.
Coding change: c.5343G>A on transcript NM_001458.5 (MANE Select); coding-DNA position 5343, G replaced by A.
Protein change: p.Met1781Ile; replaces methionine 1781 with isoleucine.
Molecular consequence: missense variant.
Genome position (GRCh38, 1-based): chr7:128,850,428, G>A. VCF-style: chr7-128850428-G-A. GRCh37 (hg19) VCF-style: chr7-128490482-G-A.
Other names: c.5244G>A, p.Met1748Ile (NM_001127487.2); short protein forms M1781I, M1748I.
Identifiers: ClinVar variation 539384 (VCV000539384.1), dbSNP rs1554400464, ClinGen allele CA369205115.